The following is an entry in ClinVar:

ClinVar aggregate classification (germline): Uncertain significance (0 of 4 stars; one submission).

Conditions:
TMEM67-related disorder. Also called: TMEM67-related condition; TMEM67-related disorders. Identifiers: MedGen CN239423.

Submission:

PreventionGenetics, part of Exact Sciences
Classification: Uncertain significance for TMEM67-related condition. Last evaluated: 2024-08-30. Review status: no assertion criteria provided. Collection method: clinical testing. Allele origin: germline.
Comment: The TMEM67 c.1132T>G variant is predicted to result in the amino acid substitution p.Cys378Gly. To our knowledge, this variant has not been reported in the literature or in a large population database, indicating this variant is rare. At this time, the clinical significance of this variant is uncertain due to the absence of conclusive functional and genetic evidence.

NM_153704.6(TMEM67):c.1132T>G (p.Cys378Gly)

Gene: TMEM67 (transmembrane protein 67; plus strand). Cytogenetic location: 8q22.1.
Variant type: single nucleotide variant.
Coding change: c.1132T>G on transcript NM_153704.6 (MANE Select); coding-DNA position 1132, T replaced by G.
Protein change: p.Cys378Gly; replaces cysteine 378 with glycine.
Molecular consequence: missense variant. On other transcripts: non-coding transcript variant (1).
Genome position (GRCh38, 1-based): chr8:93,785,222, T>G. VCF-style: chr8-93785222-T-G. GRCh37 (hg19) VCF-style: chr8-94797450-T-G.
Other names: c.889T>G, p.Cys297Gly (NM_001142301.1); short protein forms C297G, C378G.
Identifiers: ClinVar variation 3346922 (VCV003346922.1).
Genomic context (GRCh38, chr8:93,785,222, plus strand): 5'-TACTTTTTAGTACTTTAAGTTGCTGTTTTATGTGCTTTTATTTTTAATTTTACTTTTCAG[T>G]GTGAGATTCCTATCTCTAAGATCTTAATTGACTTTCCCACTCCTATATTTTATGATGTGT-3'
Protein context (NP_714915.3, residues 368-388): YSFGTTYQQN[Cys378Gly]EIPISKILID